The following is an entry in ClinVar:

ClinVar aggregate classification (germline): Uncertain significance (1 of 4 stars; one submission).

Allele frequency attached by ClinVar (database versions not stated): gnomAD 0.00001; gnomAD exomes 0.00001; ExAC 0.00003.

Submission:

Labcorp Genetics (formerly Invitae), Labcorp
Classification: Uncertain significance. Last evaluated: 2023-10-29. Review status: criteria provided, single submitter. Criteria: Invitae Variant Classification Sherloc (09022015). Collection method: clinical testing. Allele origin: germline.
Comment: This sequence change replaces serine, which is neutral and polar, with threonine, which is neutral and polar, at codon 226 of the NKX2-1 protein (p.Ser226Thr). This variant is present in population databases (rs751151637, gnomAD 0.02%). This variant has not been reported in the literature in individuals affected with NKX2-1-related conditions. An algorithm developed to predict the effect of missense changes on protein structure and function (PolyPhen-2) suggests that this variant is likely to be disruptive. In summary, the available evidence is currently insufficient to determine the role of this variant in disease. Therefore, it has been classified as a Variant of Uncertain Significance.

NM_001079668.3(NKX2-1):c.677G>C (p.Ser226Thr)

Genes: NKX2-1 (NK2 homeobox 1; minus strand), SFTA3 (surfactant associated 3; minus strand). Cytogenetic location: 14q13.3.
Variant type: single nucleotide variant.
Coding change: c.677G>C on transcript NM_001079668.3 (MANE Select); coding-DNA position 677, G replaced by C.
Protein change: p.Ser226Thr; replaces serine 226 with threonine.
Molecular consequence: missense variant.
Genome position (GRCh38, 1-based): chr14:36,517,807, C>G on the plus strand (G>C on the coding strand, the complement: NKX2-1 is on the minus strand). VCF-style: chr14-36517807-C-G. GRCh37 (hg19) VCF-style: chr14-36987012-C-G.
Other names: c.587G>C, p.Ser196Thr (NM_003317.4); short protein forms S196T, S226T.
Identifiers: ClinVar variation 2995816 (VCV002995816.3), dbSNP rs751151637, ClinGen allele CA7158457.